The following is an entry in ClinVar:

NM_001394713.1(PERM1):c.1362C>T (p.Ala454=)

Gene: PERM1 (PPARGC1 and ESRR induced regulator, muscle 1; minus strand). Cytogenetic location: 1p36.33.
Variant type: single nucleotide variant.
Coding change: c.1362C>T on transcript NM_001394713.1 (MANE Select); coding-DNA position 1362, C replaced by T.
Protein change: p.Ala454=; no amino-acid change (alanine 454 retained).
Molecular consequence: synonymous variant.
Genome position (GRCh38, 1-based): chr1:979,668, G>A on the plus strand (C>T on the coding strand, the complement: PERM1 is on the minus strand). VCF-style: chr1-979668-G-A. GRCh37 (hg19) VCF-style: chr1-915048-G-A.
Other names: c.1362C>T, p.Ala454= (NM_001291366.2, NM_001369897.1, NM_001369898.1); c.1020C>T, p.Ala340= (NM_001291367.2).
Identifiers: ClinVar variation 2637983 (VCV002637983.24), dbSNP rs527439217, ClinGen allele CA507213.

ClinVar aggregate classification (germline): Likely benign (1 of 4 stars; one submission).

Allele frequency attached by ClinVar (database versions not stated): 1000 Genomes Project 30x 0.00047; 1000 Genomes Project 0.00060; ExAC 0.00161; TOPMed 0.00197; gnomAD 0.00352.
gnomAD v4.1: 5,591 of 1,550,274 alleles (0.36%); highest among the groups gnomAD compares: Non-Finnish European, 0.36%; 28 homozygotes.

Submission:

CeGaT Center for Human Genetics Tuebingen
Classification: Likely benign. Last evaluated: 2023-07-01. Review status: criteria provided, single submitter. Criteria: CeGaT Center For Human Genetics Tuebingen Variant Classification Criteria Version 2. Collection method: clinical testing. Allele origin: germline. Affected: yes. Observed: 1 variant allele.
Comment: PERM1: BP4, BP7